The following is an entry in ClinVar:

ClinVar aggregate classification (germline): Uncertain significance. Review status: criteria provided, multiple submitters, no conflicts (2 of 4 stars). 3 submissions from 3 submitters: Uncertain significance (3). Last evaluated 2025-09-03.

Submissions (3):

Labcorp Genetics (formerly Invitae), Labcorp
Classification: Uncertain significance. Last evaluated: 2025-09-03. Review status: criteria provided, single submitter. Criteria: Invitae Variant Classification Sherloc (09022015). Collection method: clinical testing. Allele origin: germline.
Comment: This sequence change replaces leucine, which is neutral and non-polar, with phenylalanine, which is neutral and non-polar, at codon 95 of the RECQL protein (p.Leu95Phe). This variant is not present in population databases (gnomAD no frequency). This variant has not been reported in the literature in individuals affected with RECQL-related conditions. ClinVar contains an entry for this variant (Variation ID: 1017786). Invitae Evidence Modeling of protein sequence and biophysical properties (such as structural, functional, and spatial information, amino acid conservation, physicochemical variation, residue mobility, and thermodynamic stability) indicates that this missense variant is not expected to disrupt RECQL protein function with a negative predictive value of 80%. In summary, the available evidence is currently insufficient to determine the role of this variant in disease. Therefore, it has been classified as a Variant of Uncertain Significance.

Ambry Genetics
Classification: Uncertain significance. Last evaluated: 2024-06-10. Review status: criteria provided, single submitter. Criteria: Ambry Variant Classification Scheme 2023. Collection method: clinical testing. Allele origin: germline.

GeneDx
Classification: Uncertain significance. Last evaluated: 2022-06-01. Review status: criteria provided, single submitter. Criteria: GeneDx Variant Classification Process June 2021. Collection method: clinical testing. Allele origin: germline. Affected: yes.
Comment: Not observed at significant frequency in large population cohorts (gnomAD); In silico analysis supports that this missense variant has a deleterious effect on protein structure/function; Has not been previously published as pathogenic or benign to our knowledge; This variant is associated with the following publications: (PMID: 19151156, 27248010)

NM_002907.4(RECQL):c.283C>T (p.Leu95Phe)

Gene: RECQL (RecQ like helicase; minus strand). Cytogenetic location: 12p12.1.
Variant type: single nucleotide variant.
Coding change: c.283C>T on transcript NM_002907.4 (MANE Select); coding-DNA position 283, C replaced by T.
Protein change: p.Leu95Phe; replaces leucine 95 with phenylalanine.
Molecular consequence: missense variant.
Genome position (GRCh38, 1-based): chr12:21,490,310, G>A on the plus strand (C>T on the coding strand, the complement: RECQL is on the minus strand). VCF-style: chr12-21490310-G-A. GRCh37 (hg19) VCF-style: chr12-21643244-G-A.
Other names: c.283C>T, p.Leu95Phe (NM_032941.3); short protein forms L95F.
Identifiers: ClinVar variation 1017786 (VCV001017786.11), dbSNP rs1040223606, ClinGen allele CA384133156.
Genomic context (GRCh38, chr12:21,490,310, plus strand): 5'-TAGGCATAACAAGAAATACCTCCTTTCCAGCCATTGTTACGTTAATAGTTTCAAGCTGAA[G>A]TGGTCTGAACTTTTCCAGTTTAAAGACATTTTGCAGAATATCTTTAACTTTACCAGACCA-3'
Protein context (NP_002898.2, residues 85-105): NVFKLEKFRP[Leu95Phe]QLETINVTMA